The following is an entry in ClinVar:

NM_021224.6(ZNF462):c.260G>T (p.Gly87Val)

Gene: ZNF462 (zinc finger protein 462; plus strand). Cytogenetic location: 9q31.2.
Variant type: single nucleotide variant.
Coding change: c.260G>T on transcript NM_021224.6 (MANE Select); coding-DNA position 260, G replaced by T.
Protein change: p.Gly87Val; replaces glycine 87 with valine.
Molecular consequence: missense variant.
Genome position (GRCh38, 1-based): chr9:106,924,172, G>T. VCF-style: chr9-106924172-G-T. GRCh37 (hg19) VCF-style: chr9-109686453-G-T.
Other names: c.260G>T, p.Gly87Val (NM_001347997.2); short protein forms G87V.
Identifiers: ClinVar variation 4992459 (VCV004992459.1).

ClinVar aggregate classification (germline): Uncertain significance (1 of 4 stars; one submission).

Conditions:
ZNF462-related disorder. Also called: ZNF462-related condition; ZNF462 related disease.

Submission:

PreventionGenetics, part of Exact Sciences
Classification: Uncertain significance for ZNF462-related condition. Last evaluated: 2026-08-26. Review status: criteria provided, single submitter. Criteria: ACMG Guidelines, 2015. Collection method: clinical testing. Allele origin: germline.
Comment: The ZNF462 c.260G>T variant is predicted to result in the amino acid substitution p.Gly87Val. To our knowledge, this variant has not been reported in the literature or in a large population database (gnomAD), indicating this variant is rare. At this time, the clinical significance of this variant is uncertain due to the absence of conclusive functional and genetic evidence.